The following is an entry in ClinVar:

NM_000059.4(BRCA2):c.4329T>G (p.Phe1443Leu)

Gene: BRCA2 (BRCA2 DNA repair associated; plus strand). Cytogenetic location: 13q13.1.
Variant type: single nucleotide variant.
Coding change: c.4329T>G on transcript NM_000059.4 (MANE Select); coding-DNA position 4329, T replaced by G.
Protein change: p.Phe1443Leu; replaces phenylalanine 1443 with leucine.
Molecular consequence: missense variant.
Genome position (GRCh38, 1-based): chr13:32,338,684, T>G. VCF-style: chr13-32338684-T-G. GRCh37 (hg19) VCF-style: chr13-32912821-T-G.
Other names: c.4329T>G, p.Phe1443Leu (NM_001406719.1, NM_001406720.1); short protein forms F1443L.
Identifiers: ClinVar variation 2001626 (VCV002001626.6), dbSNP rs2137505221, ClinGen allele CA387780851.

ClinVar aggregate classification (germline): Conflicting classifications of pathogenicity. Review status: criteria provided, conflicting classifications (1 of 4 stars). 2 submissions from 2 submitters: Uncertain significance (1); Likely benign (1). Last evaluated 2023-03-23.

Conditions:
Hereditary breast ovarian cancer syndrome. Also called: BRCA1- and BRCA2-Associated Hereditary Breast and Ovarian Cancer; Hereditary breast and ovarian cancer syndrome (HBOC); Hereditary breast and/or ovarian cancer syndrome; Hereditary breast and ovarian cancer; Breast and ovarian cancer; Hereditary breast and ovarian cancer syndrome. Identifiers: Orphanet 145, MedGen C0677776, MeSH D061325, MONDO:0003582. Disease mechanism: loss of function.
Hereditary cancer-predisposing syndrome. Also called: Hereditary neoplastic syndrome; Hereditary Cancer Syndrome; Tumor predisposition; Neoplastic Syndromes, Hereditary. Identifiers: Orphanet 140162, MedGen C0027672, MeSH D009386, MONDO:0015356.

Submissions (2):

University of Washington Department of Laboratory Medicine, University of Washington
Classification: Likely benign for Hereditary cancer-predisposing syndrome. Last evaluated: 2023-03-23. Review status: criteria provided, single submitter. Criteria: Dines et al. (Genet Med. 2020). Collection method: curation. Allele origin: germline.
Comment: Missense variant in a coldspot region where missense variants are very unlikely to be pathogenic (PMID:31911673).

BRCA2 exon 11 coldspot. Reclassification based on statistical prior probability.

Labcorp Genetics (formerly Invitae), Labcorp
Classification: Uncertain significance for Hereditary breast ovarian cancer syndrome. Last evaluated: 2022-06-01. Review status: criteria provided, single submitter. Criteria: Invitae Variant Classification Sherloc (09022015). Collection method: clinical testing. Allele origin: germline.
Comment: This sequence change replaces phenylalanine, which is neutral and non-polar, with leucine, which is neutral and non-polar, at codon 1443 of the BRCA2 protein (p.Phe1443Leu). This variant is not present in population databases (gnomAD no frequency). This variant has not been reported in the literature in individuals affected with BRCA2-related conditions. Advanced modeling of protein sequence and biophysical properties (such as structural, functional, and spatial information, amino acid conservation, physicochemical variation, residue mobility, and thermodynamic stability) performed at Invitae indicates that this missense variant is not expected to disrupt BRCA2 protein function. In summary, the available evidence is currently insufficient to determine the role of this variant in disease. Therefore, it has been classified as a Variant of Uncertain Significance.